The following is an entry in ClinVar:

ClinVar aggregate classification (germline): Conflicting classifications of pathogenicity. Review status: criteria provided, conflicting classifications (1 of 4 stars). 4 submissions from 4 submitters: Uncertain significance (3); Likely benign (1). Last evaluated 2024-07-22.

Conditions:
Hereditary cancer-predisposing syndrome. Also called: Hereditary Cancer Syndrome; Neoplastic Syndromes, Hereditary; Tumor predisposition; Hereditary neoplastic syndrome. Identifiers: Orphanet 140162, MedGen C0027672, MeSH D009386, MONDO:0015356.
BRCA1-related cancer predisposition. Identifiers: MedGen CN377757, MONDO:0700268.
Hereditary breast ovarian cancer syndrome. Also called: Hereditary breast and/or ovarian cancer syndrome; Hereditary breast and ovarian cancer syndrome; Hereditary breast and ovarian cancer syndrome (HBOC); Breast and ovarian cancer; Hereditary breast and ovarian cancer; BRCA1- and BRCA2-Associated Hereditary Breast and Ovarian Cancer. Identifiers: Orphanet 145, MedGen C0677776, MeSH D061325, MONDO:0003582. Disease mechanism: loss of function.

Submissions (4):

Labcorp Genetics (formerly Invitae), Labcorp
Classification: Uncertain significance for Hereditary breast ovarian cancer syndrome. Last evaluated: 2024-07-22. Review status: criteria provided, single submitter. Criteria: Invitae Variant Classification Sherloc (09022015). Collection method: clinical testing. Allele origin: germline.
Comment: This sequence change replaces alanine, which is neutral and non-polar, with proline, which is neutral and non-polar, at codon 744 of the BRCA1 protein (p.Ala744Pro). This variant is not present in population databases (gnomAD no frequency). This variant has not been reported in the literature in individuals affected with BRCA1-related conditions. ClinVar contains an entry for this variant (Variation ID: 1979063). Advanced modeling of protein sequence and biophysical properties (such as structural, functional, and spatial information, amino acid conservation, physicochemical variation, residue mobility, and thermodynamic stability) performed at Invitae indicates that this missense variant is not expected to disrupt BRCA1 protein function with a negative predictive value of 95%. In summary, the available evidence is currently insufficient to determine the role of this variant in disease. Therefore, it has been classified as a Variant of Uncertain Significance.

All of Us Research Program, National Institutes of Health
Classification: Uncertain significance for BRCA1-related cancer predisposition. Last evaluated: 2024-02-22. Review status: criteria provided, single submitter. Criteria: ACMG Guidelines, 2015. Collection method: clinical testing. Allele origin: germline. Inheritance: Autosomal dominant inheritance. Observed: 1 variant allele, 1 heterozygote.
Comment: This missense variant replaces alanine with proline at codon 744 of the BRCA1 protein. Computational prediction is inconclusive regarding the impact of this variant on protein structure and function. To our knowledge, functional studies have not been reported for this variant. This variant has not been reported in individuals affected with BRCA1-related disorders in the literature. This variant has not been identified in the general population by the Genome Aggregation Database (gnomAD). The available evidence is insufficient to determine the role of this variant in disease conclusively. Therefore, this variant is classified as a Variant of Uncertain Significance.

This study involves interpretation of variants in research participants for the purpose of population health screening. Participant phenotype was not available at the time of variant classification. Additional details can be found in publication PMID: 35346344, PMCID: PMC8962531

University of Washington Department of Laboratory Medicine, University of Washington
Classification: Likely benign for Hereditary cancer-predisposing syndrome. Last evaluated: 2023-03-23. Review status: criteria provided, single submitter. Criteria: Dines et al. (Genet Med. 2020). Collection method: curation. Allele origin: germline.
Comment: Missense variant in a coldspot region where missense variants are very unlikely to be pathogenic (PMID:31911673).

BRCA1 coldspot (exon 11 using historical exon numbering). Reclassification based on statistical prior probability

Ambry Genetics
Classification: Uncertain significance for Hereditary cancer-predisposing syndrome. Last evaluated: 2022-12-24. Review status: criteria provided, single submitter. Criteria: Ambry Variant Classification Scheme 2023. Collection method: clinical testing. Allele origin: germline.
Comment: The p.A744P variant (also known as c.2230G>C), located in coding exon 9 of the BRCA1 gene, results from a G to C substitution at nucleotide position 2230. The alanine at codon 744 is replaced by proline, an amino acid with highly similar properties. This amino acid position is conserved. In addition, the in silico prediction for this alteration is inconclusive. Since supporting evidence is limited at this time, the clinical significance of this alteration remains unclear.

NM_007294.4(BRCA1):c.2230G>C (p.Ala744Pro)

Gene: BRCA1 (BRCA1 DNA repair associated; minus strand). Cytogenetic location: 17q21.31.
Variant type: single nucleotide variant.
Coding change: c.2230G>C on transcript NM_007294.4 (MANE Select); coding-DNA position 2230, G replaced by C.
Protein change: p.Ala744Pro; replaces alanine 744 with proline.
Molecular consequence: missense variant. On other transcripts: intron variant (137).
Genome position (GRCh38, 1-based): chr17:43,093,301, C>G on the plus strand (G>C on the coding strand, the complement: BRCA1 is on the minus strand). VCF-style: chr17-43093301-C-G. GRCh37 (hg19) VCF-style: chr17-41245318-C-G.
Other names: c.661+1443G>C (NM_001408433.1, NM_001408446.1, NM_001408435.1 and 6 more transcripts); c.784+1443G>C (NM_001408400.1, NM_001408392.1, NM_001407986.1 and 13 more transcripts); c.664+1443G>C (NM_001408441.1, NM_001408437.1, NM_001408429.1 and 12 more transcripts); c.787+1443G>C (NM_001407979.1, NM_001407977.1, NM_001407982.1 and 17 more transcripts); c.646+1443G>C (NM_001408410.1, NM_001408458.1, NM_001408469.1 and 11 more transcripts); c.709+1443G>C (NM_001408415.1, NM_001408412.1, NM_001408409.1 and 2 more transcripts); c.577+1443G>C (NM_001408483.1, NM_001408481.1, NM_001408480.1 and 9 more transcripts); c.2230G>C, p.Ala744Pro (NM_001407640.1, NM_001407641.1, NM_001407639.1 and 30 more transcripts); and 41 more; short protein forms A616P, A632P, A655P, A697P, A717P, A576P, A656P, A673P.
Identifiers: ClinVar variation 1979063 (VCV001979063.9), dbSNP rs786203435, ClinGen allele CA10597539.